The following is an entry in ClinVar:

ClinVar aggregate classification (germline): Uncertain significance (1 of 4 stars; one submission).

Allele frequency attached by ClinVar (database versions not stated): gnomAD exomes below 0.00001.
gnomAD v4.1: 1 of 1,613,840 alleles (0.000062%); highest among the groups gnomAD compares: East Asian, 0.0022%; no homozygotes.

Submission:

GeneDx
Classification: Uncertain significance. Last evaluated: 2020-10-27. Review status: criteria provided, single submitter. Criteria: GeneDx Variant Classification Process June 2021. Collection method: clinical testing. Allele origin: germline. Affected: yes.
Comment: In silico analysis supports that this missense variant has a deleterious effect on protein structure/function; Has not been previously published as pathogenic or benign to our knowledge

NM_016239.4(MYO15A):c.6502C>T (p.Leu2168Phe)

Gene: MYO15A (myosin XVA; plus strand). Cytogenetic location: 17p11.2.
Variant type: single nucleotide variant.
Coding change: c.6502C>T on transcript NM_016239.4 (MANE Select); coding-DNA position 6502, C replaced by T.
Protein change: p.Leu2168Phe; replaces leucine 2168 with phenylalanine.
Molecular consequence: missense variant.
Genome position (GRCh38, 1-based): chr17:18,146,100, C>T. VCF-style: chr17-18146100-C-T. GRCh37 (hg19) VCF-style: chr17-18049414-C-T.
Other names: short protein forms L2168F.
Identifiers: ClinVar variation 1313530 (VCV001313530.2), dbSNP rs2046475800, ClinGen allele CA398607476.